The following is an entry in ClinVar:

ClinVar aggregate classification (germline): Likely benign. Review status: criteria provided, single submitter (1 of 4 stars). 2 submissions from 2 submitters: Likely benign (1). 1 of the submissions does not count toward it. Last evaluated 2018-02-09.

Conditions:
KRT5-related disorder. Also called: KRT5-related condition.

Allele frequency attached by ClinVar (database versions not stated): gnomAD exomes 0.00015 and 0.00061; ExAC 0.00016; gnomAD 0.00020; TOPMed 0.00023; ESP Exome Variant Server 0.00031.

Submissions (2):

Labcorp Genetics (formerly Invitae), Labcorp
Classification: Likely benign. Last evaluated: 2018-02-09. Review status: criteria provided, single submitter. Criteria: Invitae Variant Classification Sherloc (09022015). Collection method: clinical testing. Allele origin: germline.

PreventionGenetics, part of Exact Sciences
Classification: Likely benign for KRT5-related condition. Last evaluated: 2019-08-01. Review status: no assertion criteria provided. Collection method: clinical testing. Allele origin: germline. Not counted in ClinVar's aggregate classification.
Comment: This variant is classified as likely benign based on ACMG/AMP sequence variant interpretation guidelines (Richards et al. 2015 PMID: 25741868, with internal and published modifications).

NM_000424.4(KRT5):c.1440-6T>C

Gene: KRT5 (keratin 5; minus strand). Cytogenetic location: 12q13.13.
Variant type: single nucleotide variant.
Coding change: c.1440-6T>C on transcript NM_000424.4 (MANE Select); 6 bases into the intron before coding-DNA position 1440, T replaced by C.
Molecular consequence: intron variant.
Genome position (GRCh38, 1-based): chr12:52,515,838, A>G on the plus strand (T>C on the coding strand, the complement: KRT5 is on the minus strand). VCF-style: chr12-52515838-A-G. GRCh37 (hg19) VCF-style: chr12-52909622-A-G.
Identifiers: ClinVar variation 738551 (VCV000738551.5), dbSNP rs374119094, ClinGen allele CA6582511.
Genomic context (GRCh38, chr12:52,515,838, plus strand): 5'-GTCTGTTCAAAGCTACTTACAGATGTTGACTGGTCCAACTCCTTCTCCACTGAGTCTGAA[A>G]GGGGAAAAATTGAATTAAGGGTTAACAGCTCCCAAAAAGACAGCATTAGTCTATGTGGCT-3'